The following is an entry in ClinVar:

NM_198129.4(LAMA3):c.8644del (p.Arg2882fs)

Gene: LAMA3 (laminin subunit alpha 3; plus strand). Cytogenetic location: 18q11.2.
Variant type: Deletion.
Coding change: c.8644del on transcript NM_198129.4 (MANE Select); coding-DNA position 8644, one base deleted (C; older notation c.8644delC).
Protein change: p.Arg2882fs; shifts the reading frame from arginine 2882.
Molecular consequence: frameshift variant.
Genome position (GRCh38, 1-based): chr18:23,932,227, C deleted; the last of 3 consecutive C bases (chr18:23,932,225-23,932,227); deleting any one gives the same sequence. VCF-style (leftmost placement, unchanged base first): chr18-23932224-TC-T. GRCh37 (hg19) VCF-style: chr18-21512188-TC-T.
Other names: c.3817del, p.Arg1273fs (NM_000227.6); c.8476del, p.Arg2826fs (NM_001127717.4); c.3649del, p.Arg1217fs (NM_001127718.4); short protein forms R2882fs, R1217fs, R1273fs, R2826fs.
Identifiers: ClinVar variation 499362 (VCV000499362.8), dbSNP rs1555745215, ClinGen allele CA658799014.

ClinVar aggregate classification (germline): Pathogenic. Review status: criteria provided, multiple submitters, no conflicts (2 of 4 stars). 2 submissions from 2 submitters: Pathogenic (2). Last evaluated 2024-02-03.

Submissions (2):

Labcorp Genetics (formerly Invitae), Labcorp
Classification: Pathogenic. Last evaluated: 2024-02-03. Review status: criteria provided, single submitter. Criteria: Invitae Variant Classification Sherloc (09022015). Collection method: clinical testing. Allele origin: germline.
Comment: This sequence change creates a premature translational stop signal (p.Arg1273Glyfs*25) in the LAMA3 gene. It is expected to result in an absent or disrupted protein product. Loss-of-function variants in LAMA3 are known to be pathogenic (PMID: 10366601, 11810295, 12915477, 16473856, 17362460, 22434185, 23869449, 27827380, 28087116). This variant is not present in population databases (gnomAD no frequency). This variant has not been reported in the literature in individuals affected with LAMA3-related conditions. ClinVar contains an entry for this variant (Variation ID: 499362). For these reasons, this variant has been classified as Pathogenic.

Eurofins Ntd Llc (ga)
Classification: Pathogenic. Last evaluated: 2016-12-22. Review status: criteria provided, single submitter. Criteria: EGL Classification Definitions 2015. Collection method: clinical testing. Allele origin: germline. Observed: 1 variant allele, 1 heterozygote.

Literature cited by the submitters: PubMed 10366601 (cited by Labcorp Genetics (formerly Invitae), Labcorp); PubMed 11810295 (cited by Labcorp Genetics (formerly Invitae), Labcorp); PubMed 12915477 (cited by Labcorp Genetics (formerly Invitae), Labcorp); PubMed 16473856 (cited by Labcorp Genetics (formerly Invitae), Labcorp); PubMed 17362460 (cited by Labcorp Genetics (formerly Invitae), Labcorp); PubMed 22434185 (cited by Labcorp Genetics (formerly Invitae), Labcorp); PubMed 23869449 (cited by Labcorp Genetics (formerly Invitae), Labcorp); PubMed 27827380 (cited by Labcorp Genetics (formerly Invitae), Labcorp); PubMed 28087116 (cited by Labcorp Genetics (formerly Invitae), Labcorp).